The following is an entry in ClinVar:

ClinVar aggregate classification (germline): Uncertain significance (1 of 4 stars; one submission).

Conditions:
Danon disease. Also called: Glycogen Storage Disease Type IIb; PSEUDOGLYCOGENOSIS II; GSD IIb; LYSOSOMAL GLYCOGEN STORAGE DISEASE WITHOUT ACID MALTASE DEFICIENCY; ANTOPOL DISEASE. Identifiers: Orphanet 34587, MedGen C0878677, MONDO:0010281, OMIM 300257.

Allele frequency attached by ClinVar (database versions not stated): gnomAD exomes below 0.00001 and 0.00001; ExAC 0.00001; gnomAD 0.00001.
gnomAD v4.1: 5 of 1,203,641 alleles (0.00042%); highest among the groups gnomAD compares: Admixed American, 0.0022%; no homozygotes.

Submission:

Labcorp Genetics (formerly Invitae), Labcorp
Classification: Uncertain significance for Danon disease. Last evaluated: 2026-01-24. Review status: criteria provided, single submitter. Criteria: Invitae Variant Classification Sherloc (09022015). Collection method: clinical testing. Allele origin: germline.
Comment: This sequence change replaces threonine, which is neutral and polar, with alanine, which is neutral and non-polar, at codon 125 of the LAMP2 protein (p.Thr125Ala). This variant is present in population databases (rs748494547, gnomAD 0.001%), including at least one homozygous and/or hemizygous individual. This variant has not been reported in the literature in individuals affected with LAMP2-related conditions. ClinVar contains an entry for this variant (Variation ID: 1051936). Invitae Evidence Modeling of protein sequence and biophysical properties (such as structural, functional, and spatial information, amino acid conservation, physicochemical variation, residue mobility, and thermodynamic stability) indicates that this missense variant is not expected to disrupt LAMP2 protein function with a negative predictive value of 80%. In summary, the available evidence is currently insufficient to determine the role of this variant in disease. Therefore, it has been classified as a Variant of Uncertain Significance.

NM_002294.3(LAMP2):c.373A>G (p.Thr125Ala)

Gene: LAMP2 (lysosome associated membrane protein 2; minus strand). Cytogenetic location: Xq24.
Variant type: single nucleotide variant.
Coding change: c.373A>G on transcript NM_002294.3 (MANE Select); coding-DNA position 373, A replaced by G.
Protein change: p.Thr125Ala; replaces threonine 125 with alanine.
Molecular consequence: missense variant.
Genome position (GRCh38, 1-based): chrX:120,455,381, T>C on the plus strand (A>G on the coding strand, the complement: LAMP2 is on the minus strand). VCF-style: chrX-120455381-T-C. GRCh37 (hg19) VCF-style: chrX-119589236-T-C.
Other names: c.373A>G, p.Thr125Ala (NM_001122606.1, NM_013995.2); short protein forms T125A.
Identifiers: ClinVar variation 1051936 (VCV001051936.9), dbSNP rs748494547, ClinGen allele CA10505316.
Genomic context (GRCh38, chrX:120,455,381, plus strand): 5'-CAAGAGAACATAACACAAATCCATTCTTAAGGTTACCTTTATCTTCAGCATCAGGAAATG[T>C]TGTGTTATCACCAGTGTTGTAGGAAAATGAGACGCTGTCAATTGAATAAGTAGATGCTGC-3'
Protein context (NP_002285.1, residues 115-135): SFSYNTGDNT[Thr125Ala]FPDAEDKGIL